The following is an entry in ClinVar:

ClinVar aggregate classification (germline): Benign/Likely benign. Review status: criteria provided, multiple submitters, no conflicts (2 of 4 stars). 7 submissions from 6 submitters: Benign (3); Likely benign (4). Last evaluated 2025-11-11.

Conditions:
Hereditary cancer-predisposing syndrome. Also called: Tumor predisposition; Hereditary Cancer Syndrome; Neoplastic Syndromes, Hereditary; Hereditary neoplastic syndrome. Identifiers: Orphanet 140162, MedGen C0027672, MeSH D009386, MONDO:0015356.
Holoprosencephaly 7 (HPE7). Identifiers: Orphanet 2162, MedGen C1835820, MONDO:0012562, OMIM 610828.
Gorlin syndrome. Also called: Basal cell nevus syndrome; Nevoid Basal Cell Carcinoma Syndrome. Identifiers: Orphanet 377, MedGen C0004779, MONDO:0007187.

Allele frequency attached by ClinVar (database versions not stated): gnomAD 0.00006; ESP Exome Variant Server 0.00008; gnomAD exomes 0.00010; ExAC 0.00016; TOPMed 0.00003.
gnomAD v4.1: 55 of 1,595,260 alleles (0.0034%); highest among the groups gnomAD compares: East Asian, 0.036%; no homozygotes.

Submissions (7):

Labcorp Genetics (formerly Invitae), Labcorp
Classification: Benign for Gorlin syndrome. Last evaluated: 2025-11-11. Review status: criteria provided, single submitter. Criteria: Invitae Variant Classification Sherloc (09022015). Collection method: clinical testing. Allele origin: germline.

Blueprint Genetics
Classification: Likely benign. Last evaluated: 2024-11-08. Review status: criteria provided, single submitter. Criteria: ACMG Guidelines, 2015. Collection method: clinical testing. Allele origin: germline.

Quest Diagnostics Nichols Institute San Juan Capistrano
Classification: Benign. Last evaluated: 2023-02-09. Review status: criteria provided, single submitter. Criteria: Quest Diagnostics criteria. Collection method: clinical testing. Allele origin: unknown.

Sema4
Classification: Likely benign for Hereditary cancer-predisposing syndrome. Last evaluated: 2020-12-17. Review status: criteria provided, single submitter. Criteria: Sema4 Curation Guidelines. Collection method: curation. Allele origin: germline.

Illumina Laboratory Services, Illumina
Classification: Likely benign for Holoprosencephaly 7. Last evaluated: 2018-01-12. Review status: criteria provided, single submitter. Criteria: ICSL Variant Classification Criteria 13 December 2019. Collection method: clinical testing. Allele origin: germline.
Comment: This variant was observed in the ICSL laboratory as part of a predisposition screen in an ostensibly healthy population. It had not been previously curated by ICSL or reported in the Human Gene Mutation Database (HGMD: prior to June 1st, 2018), and was therefore a candidate for classification through an automated scoring system. Utilizing variant allele frequency, disease prevalence and penetrance estimates, and inheritance mode, an automated score was calculated to assess if this variant is too frequent to cause the disease. Based on the score and internal cut-off values, a variant classified as likely benign is not then subjected to further curation. The score for this variant resulted in a classification of likely benign for this disease.

Illumina Laboratory Services, Illumina
Classification: Benign for Basal cell nevus syndrome 1. Last evaluated: 2018-01-12. Review status: criteria provided, single submitter. Criteria: ICSL Variant Classification Criteria 13 December 2019. Collection method: clinical testing. Allele origin: germline.
Comment: This variant was observed in the ICSL laboratory as part of a predisposition screen in an ostensibly healthy population. It had not been previously curated by ICSL or reported in the Human Gene Mutation Database (HGMD: prior to June 1st, 2018), and was therefore a candidate for classification through an automated scoring system. Utilizing variant allele frequency, disease prevalence and penetrance estimates, and inheritance mode, an automated score was calculated to assess if this variant is too frequent to cause the disease. Based on the score and internal cut-off values, a variant classified as benign is not then subjected to further curation. The score for this variant resulted in a classification of benign for this disease.

Ambry Genetics
Classification: Likely benign for Hereditary cancer-predisposing syndrome. Last evaluated: 2017-03-30. Review status: criteria provided, single submitter. Criteria: Ambry Variant Classification Scheme 2023. Collection method: clinical testing. Allele origin: germline.

NM_000264.5(PTCH1):c.3648C>T (p.Ser1216=)

Gene: PTCH1 (patched 1; minus strand). Cytogenetic location: 9q22.32.
Variant type: single nucleotide variant.
Coding change: c.3648C>T on transcript NM_000264.5 (MANE Select); coding-DNA position 3648, C replaced by T.
Protein change: p.Ser1216=; no amino-acid change (serine 1216 retained).
Molecular consequence: synonymous variant. On other transcripts: non-coding transcript variant (1).
Genome position (GRCh38, 1-based): chr9:95,449,225, G>A on the plus strand (C>T on the coding strand, the complement: PTCH1 is on the minus strand). VCF-style: chr9-95449225-G-A. GRCh37 (hg19) VCF-style: chr9-98211507-G-A.
Other names: c.3450C>T, p.Ser1150= (NM_001083602.3); c.3645C>T, p.Ser1215= (NM_001083603.3); c.3195C>T, p.Ser1065= (NM_001083604.3, NM_001083605.3, NM_001083606.3 and 1 more transcripts); c.3492C>T, p.Ser1164= (NM_001354918.2); c.3648C>T (NM_000264.4).
Identifiers: ClinVar variation 486175 (VCV000486175.22), dbSNP rs377608291, ClinGen allele CA5138093.
Genomic context (GRCh38, chr9:95,449,225, plus strand): 5'-CTCGCTGAGGCCTGACACTGTCGTCTGGGAACTATACTCCGAGTCGGAGGAATCAGACCC[G>A]CTGTGCGTGTGGCCGGGCGGCATGGCGAAGCGGACCACGCTGGGGGGTGGCTCAGGGGAG-3'
Protein context (NP_000255.2, residues 1206-1226): RFAMPPGHTH[Ser1216=]GSDSSDSEYS